The following is an entry in ClinVar:

NM_015978.3(TNNI3K):c.450_463dup (p.Gln155fs)

Genes: FPGT-TNNI3K (FPGT-TNNI3K readthrough; plus strand), TNNI3K (TNNI3 interacting kinase; plus strand). Cytogenetic location: 1p31.1.
Variant type: Duplication.
Coding change: c.450_463dup on transcript NM_015978.3 (MANE Select); coding-DNA positions 450 to 463, 14 bases duplicated (TGATGTGCTGTTGC).
Protein change: p.Gln155fs; shifts the reading frame from glutamine 155.
Molecular consequence: frameshift variant.
Genome position (GRCh38, 1-based): chr1:74,331,455-74,331,468, TGATGTGCTGTTGC duplicated; duplicating any 14 consecutive bases within chr1:74,331,452-74,331,468 gives the same sequence; the c. name uses the placement nearest the transcript's 3' end. VCF-style (leftmost placement, unchanged base first): chr1-74331451-C-CTGCTGATGTGCTGT. GRCh37 (hg19) VCF-style: chr1-74797135-C-CTGCTGATGTGCTGT.
Other names: c.753_766dup, p.Gln256fs (NM_001112808.3, NM_001199327.2); short protein forms Q256fs, Q155fs.
Identifiers: ClinVar variation 2030363 (VCV002030363.4), dbSNP rs2524314047, ClinGen allele CA2580063300.

ClinVar aggregate classification (germline): Uncertain significance (1 of 4 stars; one submission).

Submission:

Labcorp Genetics (formerly Invitae), Labcorp
Classification: Uncertain significance. Last evaluated: 2022-09-14. Review status: criteria provided, single submitter. Criteria: Invitae Variant Classification Sherloc (09022015). Collection method: clinical testing. Allele origin: germline.
Comment: This sequence change creates a premature translational stop signal (p.Gln155Leufs*33) in the TNNI3K gene. It is expected to result in an absent or disrupted protein product. However, the current clinical and genetic evidence is not sufficient to establish whether loss-of-function variants in TNNI3K cause disease. This variant is not present in population databases (gnomAD no frequency). This variant has not been reported in the literature in individuals affected with TNNI3K-related conditions. Experimental studies and prediction algorithms are not available or were not evaluated, and the functional significance of this variant is currently unknown. In summary, the available evidence is currently insufficient to determine the role of this variant in disease. Therefore, it has been classified as a Variant of Uncertain Significance.